The following is an entry in ClinVar:

ClinVar aggregate classification (germline): Uncertain significance (1 of 4 stars; one submission).

Conditions:
Fanconi anemia (FA). Also called: Fanconi's anemia. Identifiers: Orphanet 84, MedGen C0015625, MeSH D005199, MONDO:0019391.

Allele frequency attached by ClinVar (database versions not stated): gnomAD exomes below 0.00001; gnomAD 0.00001.
gnomAD v4.1: 7 of 1,614,014 alleles (0.00043%); highest among the groups gnomAD compares: African/African-American, 0.0027%; no homozygotes.

Submission:

Labcorp Genetics (formerly Invitae), Labcorp
Classification: Uncertain significance for Fanconi anemia. Last evaluated: 2022-07-26. Review status: criteria provided, single submitter. Criteria: Invitae Variant Classification Sherloc (09022015). Collection method: clinical testing. Allele origin: germline.
Comment: This sequence change replaces serine, which is neutral and polar, with tyrosine, which is neutral and polar, at codon 1187 of the FANCI protein (p.Ser1187Tyr). This variant is present in population databases (no rsID available, gnomAD 0.008%). This variant has not been reported in the literature in individuals affected with FANCI-related conditions. Algorithms developed to predict the effect of missense changes on protein structure and function are either unavailable or do not agree on the potential impact of this missense change (SIFT: "Deleterious"; PolyPhen-2: "Benign"; Align-GVGD: "Class C0"). In summary, the available evidence is currently insufficient to determine the role of this variant in disease. Therefore, it has been classified as a Variant of Uncertain Significance.

NM_001113378.2(FANCI):c.3560C>A (p.Ser1187Tyr)

Gene: FANCI (FA complementation group I; plus strand). Cytogenetic location: 15q26.1.
Variant type: single nucleotide variant.
Coding change: c.3560C>A on transcript NM_001113378.2 (MANE Select); coding-DNA position 3560, C replaced by A.
Protein change: p.Ser1187Tyr; replaces serine 1187 with tyrosine.
Molecular consequence: missense variant.
Genome position (GRCh38, 1-based): chr15:89,307,498, C>A. VCF-style: chr15-89307498-C-A. GRCh37 (hg19) VCF-style: chr15-89850729-C-A.
Other names: c.3281C>A, p.Ser1094Tyr (NM_001376910.1); c.3560C>A, p.Ser1187Tyr (NM_001376911.1); c.3380C>A, p.Ser1127Tyr (NM_018193.3); short protein forms S1094Y, S1187Y, S1127Y.
Identifiers: ClinVar variation 2073395 (VCV002073395.1), dbSNP rs1348870572, ClinGen allele CA393740800.